The following is an entry in ClinVar:

NM_005431.2(XRCC2):c.577G>C (p.Ala193Pro)

Gene: XRCC2 (X-ray repair cross complementing 2; minus strand). Cytogenetic location: 7q36.1.
Variant type: single nucleotide variant.
Coding change: c.577G>C on transcript NM_005431.2 (MANE Select); coding-DNA position 577, G replaced by C.
Protein change: p.Ala193Pro; replaces alanine 193 with proline.
Molecular consequence: missense variant.
Genome position (GRCh38, 1-based): chr7:152,648,908, C>G on the plus strand (G>C on the coding strand, the complement: XRCC2 is on the minus strand). VCF-style: chr7-152648908-C-G. GRCh37 (hg19) VCF-style: chr7-152345993-C-G.
Other names: short protein forms A193P.
Identifiers: ClinVar variation 1524306 (VCV001524306.10), dbSNP rs1185623860, ClinGen allele CA370198392.

ClinVar aggregate classification (germline): Uncertain significance. Review status: criteria provided, multiple submitters, no conflicts (2 of 4 stars). 3 submissions from 3 submitters: Uncertain significance (3). Last evaluated 2026-01-02.

Conditions:
Premature ovarian failure 17. Identifiers: MedGen C5436889, MONDO:0030870, OMIM 619146.
Hereditary cancer-predisposing syndrome. Also called: Neoplastic Syndromes, Hereditary; Tumor predisposition; Hereditary Cancer Syndrome; Hereditary neoplastic syndrome. Identifiers: Orphanet 140162, MedGen C0027672, MeSH D009386, MONDO:0015356.

Allele frequency attached by ClinVar (database versions not stated): gnomAD exomes below 0.00001.

Submissions (3):

Institute of Immunology and Genetics Kaiserslautern
Classification: Uncertain significance for Premature ovarian failure 17. Last evaluated: 2026-01-02. Review status: criteria provided, single submitter. Criteria: ACMG Guidelines, 2015. Collection method: clinical testing. Allele origin: germline. Affected: yes.
Comment: ACMG Criteria: PM2_P; Variant was found in a homozygous state

Ambry Genetics
Classification: Uncertain significance for Hereditary cancer-predisposing syndrome. Last evaluated: 2024-09-21. Review status: criteria provided, single submitter. Criteria: Ambry Variant Classification Scheme 2023. Collection method: clinical testing. Allele origin: germline.
Comment: The p.A193P variant (also known as c.577G>C), located in coding exon 3 of the XRCC2 gene, results from a G to C substitution at nucleotide position 577. The alanine at codon 193 is replaced by proline, an amino acid with highly similar properties. This alteration has been reported in at least one breast cancer patient in a study of 13087 breast cancer cases and 5488 control individuals in the UK (Decker B et al. J Med Genet, 2017 11;54:732-741). This amino acid position is well conserved in available vertebrate species. In addition, the in silico prediction for this alteration is inconclusive. Since supporting evidence is limited at this time, the clinical significance of this alteration remains unclear.

Labcorp Genetics (formerly Invitae), Labcorp
Classification: Uncertain significance. Last evaluated: 2021-10-24. Review status: criteria provided, single submitter. Criteria: Invitae Variant Classification Sherloc (09022015). Collection method: clinical testing. Allele origin: germline.
Comment: In summary, the available evidence is currently insufficient to determine the role of this variant in disease. Therefore, it has been classified as a Variant of Uncertain Significance. Algorithms developed to predict the effect of missense changes on protein structure and function are either unavailable or do not agree on the potential impact of this missense change (SIFT: "Deleterious"; PolyPhen-2: "Probably Damaging"; Align-GVGD: "Class C0"). This variant has not been reported in the literature in individuals affected with XRCC2-related conditions. This variant is not present in population databases (ExAC no frequency). This sequence change replaces alanine with proline at codon 193 of the XRCC2 protein (p.Ala193Pro). The alanine residue is highly conserved and there is a small physicochemical difference between alanine and proline.

Literature cited by the submitters: PubMed 28779002 (cited by Ambry Genetics).